The following is an entry in ClinVar:

NM_032119.4(ADGRV1):c.8308T>C (p.Phe2770Leu)

Gene: ADGRV1 (adhesion G protein-coupled receptor V1; plus strand). Cytogenetic location: 5q14.3.
Variant type: single nucleotide variant.
Coding change: c.8308T>C on transcript NM_032119.4 (MANE Select); coding-DNA position 8308, T replaced by C.
Protein change: p.Phe2770Leu; replaces phenylalanine 2770 with leucine.
Molecular consequence: missense variant. On other transcripts: non-coding transcript variant (1).
Genome position (GRCh38, 1-based): chr5:90,704,410, T>C. VCF-style: chr5-90704410-T-C. GRCh37 (hg19) VCF-style: chr5-90000227-T-C.
Other names: USH2C; short protein forms F2770L.
Identifiers: ClinVar variation 933913 (VCV000933913.16), dbSNP rs375272281, ClinGen allele CA3340231.

ClinVar aggregate classification (germline): Conflicting classifications of pathogenicity. Review status: criteria provided, conflicting classifications (1 of 4 stars). 6 submissions from 6 submitters: Uncertain significance (4); Benign (1). 1 of the submissions does not count toward it. Last evaluated 2026-01-04.

Conditions:
Febrile seizures, familial, 4 (FEB4). Also called: CONVULSIONS, FAMILIAL FEBRILE, 4. Identifiers: MedGen C1858493, MONDO:0011443, OMIM 604352.
Usher syndrome type 2C. Also called: Usher syndrome, type 2B; USHER SYNDROME, TYPE IIC. Identifiers: Orphanet 231178, Orphanet 886, MedGen C2931213, MONDO:0011558, OMIM 605472.
ADGRV1-related disorder. Also called: ADGRV1-related disorders; ADGRV1-related condition.

Allele frequency attached by ClinVar (database versions not stated): gnomAD 0.00002 and 0.00003; ESP Exome Variant Server 0.00008; TOPMed 0.00004; gnomAD exomes 0.00004 and 0.00011; ExAC 0.00006.
gnomAD v4.1: 57 of 1,576,650 alleles (0.0036%); highest among the groups gnomAD compares: Non-Finnish European, 0.0006%; 1 homozygote.

Submissions (6):

Labcorp Genetics (formerly Invitae), Labcorp
Classification: Benign. Last evaluated: 2026-01-04. Review status: criteria provided, single submitter. Criteria: Invitae Variant Classification Sherloc (09022015). Collection method: clinical testing. Allele origin: germline.

Laboratory of Prof. Karen Avraham, Tel Aviv University
Classification: Uncertain significance for Usher syndrome type 2C. Last evaluated: 2024-12-26. Review status: criteria provided, single submitter. Criteria: ACMG Guidelines, 2015. Collection method: research. Allele origin: germline. Affected: yes. Observed: 1 variant allele.

GeneDx
Classification: Uncertain significance. Last evaluated: 2022-03-07. Review status: criteria provided, single submitter. Criteria: GeneDx Variant Classification Process June 2021. Collection method: clinical testing. Allele origin: germline. Affected: yes.
Comment: In silico analysis supports that this missense variant does not alter protein structure/function; Has not been previously published as pathogenic or benign to our knowledge

Fulgent Genetics
Classification: Uncertain significance for Febrile seizures, familial, 4; Usher syndrome type 2C. Last evaluated: 2021-11-05. Review status: criteria provided, single submitter. Criteria: ACMG Guidelines, 2015. Collection method: clinical testing. Allele origin: unknown.

Breakthrough Genomics
Classification: Uncertain significance. Review status: criteria provided, single submitter. Criteria: ACMG Guidelines, 2015. Collection method: not provided. Allele origin: germline. Inheritance: Autosomal recessive inheritance. Affected: yes.

PreventionGenetics, part of Exact Sciences
Classification: Likely benign for ADGRV1-related condition. Last evaluated: 2022-11-09. Review status: no assertion criteria provided. Collection method: clinical testing. Allele origin: germline. Not counted in ClinVar's aggregate classification.
Comment: This variant is classified as likely benign based on ACMG/AMP sequence variant interpretation guidelines (Richards et al. 2015 PMID: 25741868, with internal and published modifications).